The following is an entry in ClinVar:

ClinVar aggregate classification (germline): Likely benign. Review status: criteria provided, multiple submitters, no conflicts (2 of 4 stars). 3 submissions from 3 submitters: Likely benign (3). Last evaluated 2026-09-04.

Conditions:
PDGFRB-related disorder. Also called: PDGFRB-related condition.
Skeletal overgrowth-craniofacial dysmorphism-hyperelastic skin-white matter lesions syndrome. Also called: SKELETAL OVERGROWTH WITH FACIAL DYSMORPHISM, HYPERELASTIC SKIN, WHITE MATTER LESIONS, AND NEUROLOGIC DETERIORATION; Kosaki overgrowth syndrome. Identifiers: Orphanet 477831, MedGen C4225270, MONDO:0014704, OMIM 616592.
Acroosteolysis-keloid-like lesions-premature aging syndrome. Also called: Premature aging syndrome, Penttinen type; Prematurely aged appearance, delayed bone maturation, acro-osteolysis, and brachydactyly; Progeroid syndrome, Penttinen type. Identifiers: Orphanet 363665, MedGen C1866182, MONDO:0011150, OMIM 601812.
Infantile myofibromatosis (IMF). Also called: Congenital generalized fibromatosis. Identifiers: Orphanet 2591, MedGen C0432284, MONDO:0016824.
Basal ganglia calcification, idiopathic, 4 (PFBC4). Also called: PRIMARY FAMILIAL BRAIN CALCIFICATION 4, AUTOSOMAL DOMINANT; Familial Idiopathic Basal Ganglia Calcification 4. Identifiers: Orphanet 1980, MedGen C3554321, MONDO:0014004, OMIM 615007.

Allele frequency attached by ClinVar (database versions not stated): ESP Exome Variant Server 0.00015; gnomAD exomes 0.00015 and 0.00012; gnomAD 0.00034 and 0.00032; 1000 Genomes Project 0.00060; TOPMed 0.00047; 1000 Genomes Project 30x 0.00062.
gnomAD v4.1: 227 of 1,613,304 alleles (0.014%); highest among the groups gnomAD compares: African/African-American, 0.1%; 1 homozygote.

Submissions (3):

PreventionGenetics, part of Exact Sciences
Classification: Likely benign for PDGFRB-related condition. Last evaluated: 2026-09-04. Review status: criteria provided, single submitter. Criteria: ACMG Guidelines, 2015. Collection method: clinical testing. Allele origin: germline.
Comment: This variant is classified as likely benign based on ACMG/AMP sequence variant interpretation guidelines (Richards et al. 2015 PMID: 25741868, with internal and published modifications).

Labcorp Genetics (formerly Invitae), Labcorp
Classification: Likely benign for Basal ganglia calcification, idiopathic, 4; Skeletal overgrowth-craniofacial dysmorphism-hyperelastic skin-white matter lesions syndrome; Infantile myofibromatosis; Acroosteolysis-keloid-like lesions-premature aging syndrome. Last evaluated: 2025-05-08. Review status: criteria provided, single submitter. Criteria: Invitae Variant Classification Sherloc (09022015). Collection method: clinical testing. Allele origin: germline.

Blueprint Genetics
Classification: Likely benign. Last evaluated: 2024-07-08. Review status: criteria provided, single submitter. Criteria: ACMG Guidelines, 2015. Collection method: clinical testing. Allele origin: germline.

NM_002609.4(PDGFRB):c.2199C>T (p.Thr733=)

Gene: PDGFRB (platelet derived growth factor receptor beta; minus strand). Cytogenetic location: 5q32.
Variant type: single nucleotide variant.
Coding change: c.2199C>T on transcript NM_002609.4 (MANE Select); coding-DNA position 2199, C replaced by T.
Protein change: p.Thr733=; no amino-acid change (threonine 733 retained).
Molecular consequence: synonymous variant.
Genome position (GRCh38, 1-based): chr5:150,122,025, G>A on the plus strand (C>T on the coding strand, the complement: PDGFRB is on the minus strand). VCF-style: chr5-150122025-G-A. GRCh37 (hg19) VCF-style: chr5-149501588-G-A.
Other names: c.2007C>T, p.Thr669= (NM_001355016.2); c.1716C>T, p.Thr572= (NM_001355017.2).
Identifiers: ClinVar variation 725390 (VCV000725390.11), dbSNP rs192355633, ClinGen allele CA3507717.
Genomic context (GRCh38, chr5:150,122,025, plus strand): 5'-GGGCACATAGTCCACCGACTCGTCCTTGCTCATGTCCATGTAGCCACCGTCGCTCTCCCC[G>A]GTCAAGGACACATGGCTGGGGGTAAAGGAGCATCACAGGAGAGCCTGCAGGCTTTGCCTT-3'
Protein context (NP_002600.1, residues 723-743): GLPLPSHVSL[Thr733=]GESDGGYMDM